The following is an entry in ClinVar:

ClinVar aggregate classification (germline): Uncertain significance (1 of 4 stars; one submission).

gnomAD v4.1: 60 of 1,614,036 alleles (0.0037%); highest among the groups gnomAD compares: Non-Finnish European, 0.0047%; no homozygotes.

Submission:

Labcorp Genetics (formerly Invitae), Labcorp
Classification: Uncertain significance. Last evaluated: 2025-08-03. Review status: criteria provided, single submitter. Criteria: Invitae Variant Classification Sherloc (09022015). Collection method: clinical testing. Allele origin: germline.
Comment: This sequence change replaces aspartic acid, which is acidic and polar, with tyrosine, which is neutral and polar, at codon 496 of the GANAB protein (p.Asp496Tyr). This variant is present in population databases (rs754934988, gnomAD 0.004%). This variant has not been reported in the literature in individuals affected with GANAB-related conditions. Invitae Evidence Modeling of protein sequence and biophysical properties (such as structural, functional, and spatial information, amino acid conservation, physicochemical variation, residue mobility, and thermodynamic stability) indicates that this missense variant is expected to disrupt GANAB protein function with a positive predictive value of 80%. In summary, the available evidence is currently insufficient to determine the role of this variant in disease. Therefore, it has been classified as a Variant of Uncertain Significance.

NM_198334.3(GANAB):c.1420G>T (p.Asp474Tyr)

Gene: GANAB (glucosidase II alpha subunit; minus strand). Cytogenetic location: 11q12.3.
Variant type: single nucleotide variant.
Coding change: c.1420G>T on transcript NM_198334.3 (MANE Select); coding-DNA position 1420, G replaced by T.
Protein change: p.Asp474Tyr; replaces aspartic acid 474 with tyrosine.
Molecular consequence: missense variant.
Genome position (GRCh38, 1-based): chr11:62,630,472, C>A on the plus strand (G>T on the coding strand, the complement: GANAB is on the minus strand). VCF-style: chr11-62630472-C-A. GRCh37 (hg19) VCF-style: chr11-62397944-C-A.
Other names: c.1144G>T, p.Asp382Tyr (NM_001278192.2); c.1078G>T, p.Asp360Tyr (NM_001278193.2); c.1129G>T, p.Asp377Tyr (NM_001278194.2, NM_001329222.2, NM_001329223.2); c.697G>T, p.Asp233Tyr (NM_001329224.2, NM_001329225.2); c.1486G>T, p.Asp496Tyr (NM_198335.4); short protein forms D233Y, D360Y, D382Y, D474Y, D496Y, D377Y.
Identifiers: ClinVar variation 4707689 (VCV004707689.1).
Genomic context (GRCh38, chr11:62,630,472, plus strand): 5'-CCCGGGTTTTAACATACAGCCCCAGGTTCCGCAGCTCCTCGTGAACTCGGTAGCCGGAGT[C>A]CACCTTGATGTGGGGGTCTACGATGGCCACCAGCTGGGGGCAAGGAACAGGGGTGTTCAG-3'
Protein context (NP_938148.1, residues 464-484): VAIVDPHIKV[Asp474Tyr]SGYRVHEELR